The following is an entry in ClinVar:

NM_002470.4(MYH3):c.5207T>C (p.Met1736Thr)

Gene: MYH3 (myosin heavy chain 3; minus strand). Cytogenetic location: 17p13.1.
Variant type: single nucleotide variant.
Coding change: c.5207T>C on transcript NM_002470.4 (MANE Select); coding-DNA position 5207, T replaced by C.
Protein change: p.Met1736Thr; replaces methionine 1736 with threonine.
Molecular consequence: missense variant.
Genome position (GRCh38, 1-based): chr17:10,631,690, A>G on the plus strand (T>C on the coding strand, the complement: MYH3 is on the minus strand). VCF-style: chr17-10631690-A-G. GRCh37 (hg19) VCF-style: chr17-10535007-A-G.
Other names: short protein forms M1736T.
Identifiers: ClinVar variation 4760996 (VCV004760996.1).

ClinVar aggregate classification (germline): Uncertain significance (1 of 4 stars; one submission).

Submission:

Labcorp Genetics (formerly Invitae), Labcorp
Classification: Uncertain significance. Last evaluated: 2025-02-13. Review status: criteria provided, single submitter. Criteria: Invitae Variant Classification Sherloc (09022015). Collection method: clinical testing. Allele origin: germline.
Comment: This sequence change replaces methionine, which is neutral and non-polar, with threonine, which is neutral and polar, at codon 1736 of the MYH3 protein (p.Met1736Thr). This variant is present in population databases (no rsID available, gnomAD 0.02%). This variant has not been reported in the literature in individuals affected with MYH3-related conditions. Invitae Evidence Modeling of protein sequence and biophysical properties (such as structural, functional, and spatial information, amino acid conservation, physicochemical variation, residue mobility, and thermodynamic stability) indicates that this missense variant is not expected to disrupt MYH3 protein function with a negative predictive value of 95%. In summary, the available evidence is currently insufficient to determine the role of this variant in disease. Therefore, it has been classified as a Variant of Uncertain Significance.